The following is an entry in ClinVar:

NM_001256789.3(CACNA1F):c.4085T>C (p.Val1362Ala)

Gene: CACNA1F (calcium voltage-gated channel subunit alpha1 F; minus strand). Cytogenetic location: Xp11.23.
Variant type: single nucleotide variant.
Coding change: c.4085T>C on transcript NM_001256789.3 (MANE Select); coding-DNA position 4085, T replaced by C.
Protein change: p.Val1362Ala; replaces valine 1362 with alanine.
Molecular consequence: missense variant.
Genome position (GRCh38, 1-based): chrX:49,211,913, A>G on the plus strand (T>C on the coding strand, the complement: CACNA1F is on the minus strand). VCF-style: chrX-49211913-A-G. GRCh37 (hg19) VCF-style: chrX-49068373-A-G.
Other names: c.4118T>C (NM_005183.2); c.3923T>C, p.Val1308Ala (NM_001256790.3); c.4118T>C, p.Val1373Ala (NM_005183.4); short protein forms V1362A, V1308A, V1373A.
Identifiers: ClinVar variation 843732 (VCV000843732.10), dbSNP rs200903890, ClinGen allele CA10410273.
Genomic context (GRCh38, chrX:49,211,913, plus strand): 5'-GGGCACCCACGGGCATAAGGTGGCAGGGGAGTGAGTAGATGTCACCTGAACAGAAGCAGC[A>G]CAGCCTGTGGAAAGGTCTGGAAGTTGTTGTTTCGGTTTATCTGTGTGCCATCCTGAAGAG-3'
Protein context (NP_001243718.1, residues 1352-1372): NNNFQTFPQA[Val1362Ala]LLLFRCATGE

ClinVar aggregate classification (germline): Conflicting classifications of pathogenicity. Review status: criteria provided, conflicting classifications (1 of 4 stars). 4 submissions from 4 submitters: Uncertain significance (2); Likely benign (2). Last evaluated 2025-10-13.

Conditions:
CACNA1F-related disorder. Also called: CACNA1F-related condition.
Inborn genetic diseases. Identifiers: MedGen C0950123, MeSH D030342.

Allele frequency attached by ClinVar (database versions not stated): ESP Exome Variant Server 0.00019; ExAC 0.00024; gnomAD 0.00029 and 0.00031; TOPMed 0.00030; gnomAD exomes 0.00031 and 0.00049.
gnomAD v4.1: 561 of 1,209,096 alleles (0.046%); highest among the groups gnomAD compares: Middle Eastern, 0.069%; no homozygotes.

Submissions (4):

Labcorp Genetics (formerly Invitae), Labcorp
Classification: Uncertain significance. Last evaluated: 2025-10-13. Review status: criteria provided, single submitter. Criteria: Invitae Variant Classification Sherloc (09022015). Collection method: clinical testing. Allele origin: germline.
Comment: This sequence change replaces valine, which is neutral and non-polar, with alanine, which is neutral and non-polar, at codon 1373 of the CACNA1F protein (p.Val1373Ala). This variant is present in population databases (rs200903890, gnomAD 0.05%), and has an allele count higher than expected for a pathogenic variant. This variant has not been reported in the literature in individuals affected with CACNA1F-related conditions. ClinVar contains an entry for this variant (Variation ID: 843732). Invitae Evidence Modeling of protein sequence and biophysical properties (such as structural, functional, and spatial information, amino acid conservation, physicochemical variation, residue mobility, and thermodynamic stability) indicates that this missense variant is not expected to disrupt CACNA1F protein function with a negative predictive value of 80%. In summary, the available evidence is currently insufficient to determine the role of this variant in disease. Therefore, it has been classified as a Variant of Uncertain Significance.

PreventionGenetics, part of Exact Sciences
Classification: Likely benign for CACNA1F-related condition. Last evaluated: 2025-06-25. Review status: criteria provided, single submitter. Criteria: ACMG Guidelines, 2015. Collection method: clinical testing. Allele origin: germline.
Comment: This variant is classified as likely benign based on ACMG/AMP sequence variant interpretation guidelines (Richards et al. 2015 PMID: 25741868, with internal and published modifications).

Blueprint Genetics
Classification: Likely benign. Last evaluated: 2024-10-24. Review status: criteria provided, single submitter. Criteria: ACMG Guidelines, 2015. Collection method: clinical testing. Allele origin: germline.

Ambry Genetics
Classification: Uncertain significance for Inborn genetic diseases. Last evaluated: 2021-07-13. Review status: criteria provided, single submitter. Criteria: Ambry Variant Classification Scheme 2023. Collection method: clinical testing. Allele origin: germline.